The following is an entry in ClinVar:

ClinVar aggregate classification (germline): Uncertain significance. Review status: criteria provided, multiple submitters, no conflicts (2 of 4 stars). 2 submissions from 2 submitters: Uncertain significance (2). Last evaluated 2025-03-04.

Allele frequency attached by ClinVar (database versions not stated): ExAC 0.00001; gnomAD 0.00001; TOPMed 0.00001; gnomAD exomes 0.00002.
gnomAD v4.1: 11 of 1,614,064 alleles (0.00068%); highest among the groups gnomAD compares: Admixed American, 0.018%; no homozygotes.

Submissions (2):

Labcorp Genetics (formerly Invitae), Labcorp
Classification: Uncertain significance. Last evaluated: 2025-03-04. Review status: criteria provided, single submitter. Criteria: Invitae Variant Classification Sherloc (09022015). Collection method: clinical testing. Allele origin: germline.
Comment: This sequence change replaces proline, which is neutral and non-polar, with leucine, which is neutral and non-polar, at codon 4119 of the FAT2 protein (p.Pro4119Leu). This variant is present in population databases (rs755223311, gnomAD 0.02%). This variant has not been reported in the literature in individuals affected with FAT2-related conditions. ClinVar contains an entry for this variant (Variation ID: 2237687). An algorithm developed to predict the effect of missense changes on protein structure and function (PolyPhen-2) suggests that this variant is likely to be tolerated. In summary, the available evidence is currently insufficient to determine the role of this variant in disease. Therefore, it has been classified as a Variant of Uncertain Significance.

Ambry Genetics
Classification: Uncertain significance. Last evaluated: 2021-07-15. Review status: criteria provided, single submitter. Criteria: Ambry Variant Classification Scheme 2023. Collection method: clinical testing. Allele origin: germline.

NM_001447.3(FAT2):c.12356C>T (p.Pro4119Leu)

Genes: FAT2 (FAT atypical cadherin 2; minus strand), SLC36A1 (solute carrier family 36 member 1; plus strand). Cytogenetic location: 5q33.1.
Variant type: single nucleotide variant.
Coding change: c.12356C>T on transcript NM_001447.3 (MANE Select); coding-DNA position 12356, C replaced by T.
Protein change: p.Pro4119Leu; replaces proline 4119 with leucine.
Molecular consequence: missense variant.
Genome position (GRCh38, 1-based): chr5:151,507,315, G>A on the plus strand (C>T on the coding strand, the complement: FAT2 is on the minus strand). VCF-style: chr5-151507315-G-A. GRCh37 (hg19) VCF-style: chr5-150886876-G-A.
Other names: short protein forms P4119L.
Identifiers: ClinVar variation 2237687 (VCV002237687.3), dbSNP rs755223311, ClinGen allele CA3519797.